The following is an entry in ClinVar:

NM_001999.4(FBN2):c.533-96_533-92del

Gene: FBN2 (fibrillin 2; minus strand). Cytogenetic location: 5q23.3.
Variant type: Deletion.
Coding change: c.533-96_533-92del on transcript NM_001999.4 (MANE Select); 96 bases into the intron before coding-DNA position 533 through 92 bases into the intron before coding-DNA position 533, 5 bases deleted (TTTAA; older notation c.533-96_533-92delTTTAA).
Molecular consequence: intron variant.
Genome position (GRCh38, 1-based): chr5:128,519,460-128,519,464, TTAAA deleted on the plus strand (TTTAA on the coding strand, the reverse complement: FBN2 is on the minus strand); deleting any 5 consecutive bases within chr5:128,519,460-128,519,467 gives the same sequence; the c. name uses the placement nearest the transcript's 3' end. VCF-style (leftmost placement, unchanged base first): chr5-128519459-GTTAAA-G. GRCh37 (hg19) VCF-style: chr5-127855152-GTTAAA-G.
Identifiers: ClinVar variation 674263 (VCV000674263.1), dbSNP rs3059402, ClinGen allele CA127043935.

ClinVar aggregate classification (germline): Benign (1 of 4 stars; one submission).

Submission:

GeneDx
Classification: Benign. Last evaluated: 2018-06-14. Review status: criteria provided, single submitter. Criteria: GeneDx Variant Classification (06012015). Collection method: clinical testing. Allele origin: germline. Affected: yes.
Comment: This variant is considered likely benign or benign based on one or more of the following criteria: it is a conservative change, it occurs at a poorly conserved position in the protein, it is predicted to be benign by multiple in silico algorithms, and/or has population frequency not consistent with disease.